The following is an entry in ClinVar:

ClinVar aggregate classification (germline): Uncertain significance. Review status: criteria provided, multiple submitters, no conflicts (2 of 4 stars). 3 submissions from 3 submitters: Uncertain significance (3). Last evaluated 2024-11-25.

Conditions:
Diamond-Blackfan anemia 5 (DBA5). Also called: RPL35A-Related Diamond-Blackfan Anemia. Identifiers: Orphanet 124, MedGen C2675859, MONDO:0012925, OMIM 612528.
RPL35A-related disorder. Also called: RPL35A-related condition.

Allele frequency attached by ClinVar (database versions not stated): gnomAD 0.00001; gnomAD exomes 0.00001; TOPMed 0.00001.
gnomAD v4.1: 15 of 1,614,030 alleles (0.00093%); highest among the groups gnomAD compares: Non-Finnish European, 0.0013%; no homozygotes.

Submissions (3):

PreventionGenetics, part of Exact Sciences
Classification: Uncertain significance for RPL35A-related condition. Last evaluated: 2024-11-25. Review status: criteria provided, single submitter. Criteria: ACMG Guidelines, 2015. Collection method: clinical testing. Allele origin: germline.
Comment: The RPL35A c.28A>G variant is predicted to result in the amino acid substitution p.Ile10Val. To our knowledge, this variant has not been reported in the literature. This variant is reported in 0.0018% of alleles in individuals of European (Non-Finnish) descent in gnomAD. At this time, the clinical significance of this variant is uncertain due to the absence of conclusive functional and genetic evidence.

Fulgent Genetics
Classification: Uncertain significance for Diamond-Blackfan anemia 5. Last evaluated: 2024-04-24. Review status: criteria provided, single submitter. Criteria: ACMG Guidelines, 2015. Collection method: clinical testing. Allele origin: germline.

Labcorp Genetics (formerly Invitae), Labcorp
Classification: Uncertain significance for Diamond-Blackfan anemia 5. Last evaluated: 2021-10-12. Review status: criteria provided, single submitter. Criteria: Invitae Variant Classification Sherloc (09022015). Collection method: clinical testing. Allele origin: germline.
Comment: This sequence change replaces isoleucine with valine at codon 10 of the RPL35A protein (p.Ile10Val). The isoleucine residue is moderately conserved and there is a small physicochemical difference between isoleucine and valine. This variant is not present in population databases (ExAC no frequency). This variant has not been reported in the literature in individuals affected with RPL35A-related conditions. Algorithms developed to predict the effect of missense changes on protein structure and function (SIFT, PolyPhen-2, Align-GVGD) all suggest that this variant is likely to be tolerated. In summary, the available evidence is currently insufficient to determine the role of this variant in disease. Therefore, it has been classified as a Variant of Uncertain Significance.

NM_000996.4(RPL35A):c.28A>G (p.Ile10Val)

Genes: DRC9 (dynein regulatory complex subunit 9; minus strand), RPL35A (ribosomal protein L35a; plus strand). Cytogenetic location: 3q29.
Variant type: single nucleotide variant.
Coding change: c.28A>G on transcript NM_000996.4 (MANE Select); coding-DNA position 28, A replaced by G.
Protein change: p.Ile10Val; replaces isoleucine 10 with valine.
Molecular consequence: missense variant. On other transcripts: intron variant (3).
Genome position (GRCh38, 1-based): chr3:197,951,175, A>G. VCF-style: chr3-197951175-A-G. GRCh37 (hg19) VCF-style: chr3-197678046-A-G.
Other names: c.28A>G, p.Ile10Val (NM_001316311.2); c.-49-7124T>C (NM_001323028.2); c.-59-5489T>C (NM_032263.5); c.-374-5489T>C (NM_001323029.2); short protein forms I10V.
Identifiers: ClinVar variation 1443120 (VCV001443120.8), dbSNP rs553548757, ClinGen allele CA91022702.